The following is an entry in ClinVar:

NM_000321.3(RB1):c.867A>C (p.Lys289Asn)

Gene: RB1 (RB transcriptional corepressor 1; plus strand). Cytogenetic location: 13q14.2.
Variant type: single nucleotide variant.
Coding change: c.867A>C on transcript NM_000321.3 (MANE Select); coding-DNA position 867, A replaced by C.
Protein change: p.Lys289Asn; replaces lysine 289 with asparagine.
Molecular consequence: missense variant.
Genome position (GRCh38, 1-based): chr13:48,364,899, A>C. VCF-style: chr13-48364899-A-C. GRCh37 (hg19) VCF-style: chr13-48939035-A-C.
Other names: short protein forms K289N.
Identifiers: ClinVar variation 486292 (VCV000486292.15), dbSNP rs1555285126, ClinGen allele CA388159845.

ClinVar aggregate classification (germline): Uncertain significance. Review status: criteria provided, multiple submitters, no conflicts (2 of 4 stars). 2 submissions from 2 submitters: Uncertain significance (2). Last evaluated 2019-12-12.

Conditions:
Hereditary cancer-predisposing syndrome. Also called: Tumor predisposition; Hereditary Cancer Syndrome; Hereditary neoplastic syndrome; Neoplastic Syndromes, Hereditary. Identifiers: Orphanet 140162, MedGen C0027672, MeSH D009386, MONDO:0015356.
Retinoblastoma (RB1). Also called: RETINOBLASTOMA, SOMATIC. Identifiers: Orphanet 790, MedGen C0035335, MeSH D012175, MONDO:0008380, OMIM 180200, HP:0009919. Disease mechanism: loss of function. Inheritance: Both sporadic and heritable forms are tested..

gnomAD v4.1: 1 of 1,554,592 alleles (0.000064%); highest among the groups gnomAD compares: Non-Finnish European, 0.000087%; no homozygotes.

Submissions (2):

Labcorp Genetics (formerly Invitae), Labcorp
Classification: Uncertain significance for Retinoblastoma. Last evaluated: 2019-12-12. Review status: criteria provided, single submitter. Criteria: Invitae Variant Classification Sherloc (09022015). Collection method: clinical testing. Allele origin: germline.
Comment: In summary, the available evidence is currently insufficient to determine the role of this variant in disease. Therefore, it has been classified as a Variant of Uncertain Significance. Algorithms developed to predict the effect of missense changes on protein structure and function (SIFT, PolyPhen-2, Align-GVGD) all suggest that this variant is likely to be disruptive, but these predictions have not been confirmed by published functional studies and their clinical significance is uncertain. This variant has not been reported in the literature in individuals with RB1-related conditions. ClinVar contains an entry for this variant (Variation ID: 486292). This variant is not present in population databases (ExAC no frequency). This sequence change replaces lysine with asparagine at codon 289 of the RB1 protein (p.Lys289Asn). The lysine residue is highly conserved and there is a moderate physicochemical difference between lysine and asparagine.

Ambry Genetics
Classification: Uncertain significance for Hereditary cancer-predisposing syndrome. Last evaluated: 2017-04-26. Review status: criteria provided, single submitter. Criteria: Ambry Variant Classification Scheme 2023. Collection method: clinical testing. Allele origin: germline.
Comment: The p.K289N variant (also known as c.867A>C), located in coding exon 9 of the RB1 gene, results from an A to C substitution at nucleotide position 867. The lysine at codon 289 is replaced by asparagine, an amino acid with similar properties. This amino acid position is highly conserved in available vertebrate species. In addition, the in silico prediction for this alteration is inconclusive. Since supporting evidence is limited at this time, the clinical significance of this alteration remains unclear.